The following is an entry in ClinVar:

NM_006295.3(VARS1):c.5C>G (p.Ser2Cys)

Gene: VARS1 (valyl-tRNA synthetase 1; minus strand). Cytogenetic location: 6p21.33.
Variant type: single nucleotide variant.
Coding change: c.5C>G on transcript NM_006295.3 (MANE Select); coding-DNA position 5, C replaced by G.
Protein change: p.Ser2Cys; replaces serine 2 with cysteine.
Molecular consequence: missense variant.
Genome position (GRCh38, 1-based): chr6:31,795,213, G>C on the plus strand (C>G on the coding strand, the complement: VARS1 is on the minus strand). VCF-style: chr6-31795213-G-C. GRCh37 (hg19) VCF-style: chr6-31762990-G-C.
Other names: short protein forms S2C.
Identifiers: ClinVar variation 3048277 (VCV003048277.2), dbSNP rs145504112, ClinGen allele CA3723655.
Genomic context (GRCh38, chr6:31,795,213, plus strand): 5'-GCGGCTATGAGGGCTCGGAGGCTGGGGAAGGCATCTGGGTGAGGGGAGACGTAGAGGGTG[G>C]ACATAGTTATGAGAAGGTCCGAACGAAGTGGAAAAACCTAAGGAGAAAGAGAGACAGGGG-3'
Protein context (NP_006286.1, residues 1-12): M[Ser2Cys]TLYVSPHPDA

ClinVar aggregate classification (germline): Likely benign (0 of 4 stars; one submission).

Conditions:
VARS1-related disorder. Also called: VARS1-related condition.

Allele frequency attached by ClinVar (database versions not stated): gnomAD exomes 0.00012; ExAC 0.00038; ESP Exome Variant Server 0.00065; gnomAD 0.00115; TOPMed 0.00117; 1000 Genomes Project 30x 0.00203; 1000 Genomes Project 0.00240.
gnomAD v4.1: 336 of 1,442,580 alleles (0.023%); highest among the groups gnomAD compares: African/African-American, 0.4%; 1 homozygote.

Submission:

PreventionGenetics, part of Exact Sciences
Classification: Likely benign for VARS1-related condition. Last evaluated: 2020-10-12. Review status: no assertion criteria provided. Collection method: clinical testing. Allele origin: germline.
Comment: This variant is classified as likely benign based on ACMG/AMP sequence variant interpretation guidelines (Richards et al. 2015 PMID: 25741868, with internal and published modifications).